The following is an entry in ClinVar:

ClinVar aggregate classification (germline): Uncertain significance (1 of 4 stars; one submission).

Conditions:
SLC22A4-related disorder. Also called: SLC22A4-related condition.

Allele frequency attached by ClinVar (database versions not stated): gnomAD exomes below 0.00001.
gnomAD v4.1: 1 of 1,613,992 alleles (0.000062%); highest among the groups gnomAD compares: Non-Finnish European, 0.000085%; no homozygotes.

Submission:

PreventionGenetics, part of Exact Sciences
Classification: Uncertain significance for SLC22A4-related condition. Last evaluated: 2022-09-08. Review status: criteria provided, single submitter. Criteria: ACMG Guidelines, 2015. Collection method: clinical testing. Allele origin: germline.
Comment: The SLC22A4 c.1205C>T variant is predicted to result in the amino acid substitution p.Ala402Val. To our knowledge, this variant has not been reported in the literature or in a large population database, indicating this variant is rare. At this time, the clinical significance of this variant is uncertain due to the absence of conclusive functional and genetic evidence.

NM_003059.3(SLC22A4):c.1205C>T (p.Ala402Val)

Genes: MIR3936HG (MIR3936 host gene; minus strand), SLC22A4 (solute carrier family 22 member 4; plus strand). Cytogenetic location: 5q31.1.
Variant type: single nucleotide variant.
Coding change: c.1205C>T on transcript NM_003059.3 (MANE Select); coding-DNA position 1205, C replaced by T.
Protein change: p.Ala402Val; replaces alanine 402 with valine.
Molecular consequence: missense variant. On other transcripts: non-coding transcript variant (1).
Genome position (GRCh38, 1-based): chr5:132,334,876, C>T. VCF-style: chr5-132334876-C-T. GRCh37 (hg19) VCF-style: chr5-131670569-C-T.
Other names: short protein forms A402V.
Identifiers: ClinVar variation 2636579 (VCV002636579.1), dbSNP rs2532039032, ClinGen allele CA360811075.